The following is an entry in ClinVar:

NM_014423.4(AFF4):c.3353A>G (p.Lys1118Arg)

Gene: AFF4 (ALF transcription elongation factor 4; minus strand). Cytogenetic location: 5q31.1.
Variant type: single nucleotide variant.
Coding change: c.3353A>G on transcript NM_014423.4 (MANE Select); coding-DNA position 3353, A replaced by G.
Protein change: p.Lys1118Arg; replaces lysine 1118 with arginine.
Molecular consequence: missense variant.
Genome position (GRCh38, 1-based): chr5:132,883,351, T>C on the plus strand (A>G on the coding strand, the complement: AFF4 is on the minus strand). VCF-style: chr5-132883351-T-C. GRCh37 (hg19) VCF-style: chr5-132219043-T-C.
Other names: short protein forms K1118R.
Identifiers: ClinVar variation 1443854 (VCV001443854.8), dbSNP rs1413801635, ClinGen allele CA360966758.

ClinVar aggregate classification (germline): Uncertain significance (1 of 4 stars; one submission).

Conditions:
Cognitive impairment - coarse facies - heart defects - obesity - pulmonary involvement - short stature - skeletal dysplasia syndrome. Also called: AFF4-Related CHOPS Syndrome; COGNITIVE IMPAIRMENT, COARSE FACIES, HEART DEFECTS, OBESITY, PULMONARY INVOLVEMENT, SHORT STATURE, AND SKELETAL DYSPLASIA; Chops syndrome. Identifiers: Orphanet 444077, MedGen C4085597, MONDO:0014609, OMIM 616368.

Allele frequency attached by ClinVar (database versions not stated): gnomAD exomes below 0.00001.
gnomAD v4.1: 1 of 1,614,008 alleles (0.000062%); highest among the groups gnomAD compares: Admixed American, 0.0017%; no homozygotes.

Submission:

Labcorp Genetics (formerly Invitae), Labcorp
Classification: Uncertain significance for Cognitive impairment - coarse facies - heart defects - obesity - pulmonary involvement - short stature - skeletal dysplasia syndrome. Last evaluated: 2021-06-01. Review status: criteria provided, single submitter. Criteria: Invitae Variant Classification Sherloc (09022015). Collection method: clinical testing. Allele origin: germline.
Comment: In summary, the available evidence is currently insufficient to determine the role of this variant in disease. Therefore, it has been classified as a Variant of Uncertain Significance. Algorithms developed to predict the effect of missense changes on protein structure and function (SIFT, PolyPhen-2, Align-GVGD) all suggest that this variant is likely to be tolerated, but these predictions have not been confirmed by published functional studies and their clinical significance is uncertain. This variant has not been reported in the literature in individuals with AFF4-related conditions. This variant is not present in population databases (ExAC no frequency). This sequence change replaces lysine with arginine at codon 1118 of the AFF4 protein (p.Lys1118Arg). The lysine residue is moderately conserved and there is a small physicochemical difference between lysine and arginine.